The following is an entry in ClinVar:

ClinVar aggregate classification (germline): Uncertain significance. Review status: criteria provided, multiple submitters, no conflicts (2 of 4 stars). 3 submissions from 3 submitters: Uncertain significance (3). Last evaluated 2025-11-24.

Conditions:
DHCR7-related disorder. Also called: DHCR7-related condition.
Inborn genetic diseases. Identifiers: MedGen C0950123, MeSH D030342.

Allele frequency attached by ClinVar (database versions not stated): gnomAD exomes below 0.00001 and 0.00001; TOPMed 0.00001.

Submissions (3):

PreventionGenetics, part of Exact Sciences
Classification: Uncertain significance for DHCR7-related condition. Last evaluated: 2025-11-24. Review status: criteria provided, single submitter. Criteria: ACMG Guidelines, 2015. Collection method: clinical testing. Allele origin: germline.
Comment: The DHCR7 c.1390G>A variant is predicted to result in the amino acid substitution p.Ala464Thr. To our knowledge, this variant has not been reported in the literature. This variant is reported in 0.0055% of alleles in individuals of East Asian descent in gnomAD. At this time, the clinical significance of this variant is uncertain due to the absence of conclusive functional and genetic evidence.

GeneDx
Classification: Uncertain significance. Last evaluated: 2024-12-16. Review status: criteria provided, single submitter. Criteria: GeneDx Variant Classification Process June 2021. Collection method: clinical testing. Allele origin: germline.
Comment: Not observed at significant frequency in large population cohorts (gnomAD); In silico analysis indicates that this missense variant does not alter protein structure/function; Has not been previously published as pathogenic or benign to our knowledge

Ambry Genetics
Classification: Uncertain significance for Inborn genetic diseases. Last evaluated: 2024-06-17. Review status: criteria provided, single submitter. Criteria: Ambry Variant Classification Scheme 2023. Collection method: clinical testing. Allele origin: germline.

NM_001360.3(DHCR7):c.1390G>A (p.Ala464Thr)

Gene: DHCR7 (7-dehydrocholesterol reductase; minus strand). Cytogenetic location: 11q13.4.
Variant type: single nucleotide variant.
Coding change: c.1390G>A on transcript NM_001360.3 (MANE Select); coding-DNA position 1390, G replaced by A.
Protein change: p.Ala464Thr; replaces alanine 464 with threonine.
Molecular consequence: missense variant.
Genome position (GRCh38, 1-based): chr11:71,435,413, C>T on the plus strand (G>A on the coding strand, the complement: DHCR7 is on the minus strand). VCF-style: chr11-71435413-C-T. GRCh37 (hg19) VCF-style: chr11-71146459-C-T.
Other names: c.1390G>A, p.Ala464Thr (NM_001163817.2); short protein forms A464T.
Identifiers: ClinVar variation 1699613 (VCV001699613.5), dbSNP rs566784842, ClinGen allele CA224323740.